The following is an entry in ClinVar:

NM_001042492.3(NF1):c.7967T>C (p.Val2656Ala)

Gene: NF1 (neurofibromin 1; plus strand). Cytogenetic location: 17q11.2.
Variant type: single nucleotide variant.
Coding change: c.7967T>C on transcript NM_001042492.3 (MANE Select); coding-DNA position 7967, T replaced by C.
Protein change: p.Val2656Ala; replaces valine 2656 with alanine.
Molecular consequence: missense variant.
Genome position (GRCh38, 1-based): chr17:31,357,366, T>C. VCF-style: chr17-31357366-T-C. GRCh37 (hg19) VCF-style: chr17-29684384-T-C.
Other names: c.7904T>C, p.Val2635Ala (NM_000267.4); short protein forms V2656A, V2635A.
Identifiers: ClinVar variation 4119094 (VCV004119094.1).

ClinVar aggregate classification (germline): Uncertain significance (1 of 4 stars; one submission).

Conditions:
Cardiovascular phenotype. Identifiers: MedGen CN230736.
Hereditary cancer-predisposing syndrome. Also called: Hereditary neoplastic syndrome; Neoplastic Syndromes, Hereditary; Tumor predisposition; Hereditary Cancer Syndrome. Identifiers: Orphanet 140162, MedGen C0027672, MeSH D009386, MONDO:0015356.

Submission:

Ambry Genetics
Classification: Uncertain significance for Cardiovascular phenotype; Hereditary cancer-predisposing syndrome. Last evaluated: 2025-07-07. Review status: criteria provided, single submitter. Criteria: Ambry Variant Classification Scheme 2023. Collection method: clinical testing. Allele origin: germline.
Comment: The p.V2635A variant (also known as c.7904T>C), located in coding exon 53 of the NF1 gene, results from a T to C substitution at nucleotide position 7904. The valine at codon 2635 is replaced by alanine, an amino acid with similar properties. This amino acid position is conserved. In addition, the in silico prediction for this alteration is inconclusive. Based on the available evidence, the clinical significance of this variant remains unclear.